The following is an entry in ClinVar:

ClinVar aggregate classification (germline): Likely benign. Review status: criteria provided, multiple submitters, no conflicts (2 of 4 stars). 4 submissions from 4 submitters: Likely benign (3). 1 of the submissions does not count toward it. Last evaluated 2025-07-31.

Conditions:
Inborn genetic diseases. Identifiers: MedGen C0950123, MeSH D030342.
MCTP2-related disorder. Also called: MCTP2-related condition.

Allele frequency attached by ClinVar (database versions not stated): gnomAD exomes 0.00017 and 0.00050; ExAC 0.00056; gnomAD 0.00194 and 0.00205; TOPMed 0.00215; 1000 Genomes Project 0.00220; ESP Exome Variant Server 0.00223; 1000 Genomes Project 30x 0.00234.
gnomAD v4.1: 548 of 1,614,042 alleles (0.034%); highest among the groups gnomAD compares: African/African-American, 0.64%; 4 homozygotes.

Submissions (4):

Ambry Genetics
Classification: Likely benign for Inborn genetic diseases. Last evaluated: 2025-07-31. Review status: criteria provided, single submitter. Criteria: Ambry Variant Classification Scheme 2023. Collection method: clinical testing. Allele origin: germline.

Labcorp Genetics (formerly Invitae), Labcorp
Classification: Likely benign. Last evaluated: 2019-12-31. Review status: criteria provided, single submitter. Criteria: Invitae Variant Classification Sherloc (09022015). Collection method: clinical testing. Allele origin: germline.

Breakthrough Genomics
Classification: Likely benign. Review status: criteria provided, single submitter. Criteria: ACMG Guidelines, 2015. Collection method: not provided. Allele origin: germline. Inheritance: Unknown mechanism. Affected: yes.

PreventionGenetics, part of Exact Sciences
Classification: Likely benign for MCTP2-related condition. Last evaluated: 2019-07-26. Review status: no assertion criteria provided. Collection method: clinical testing. Allele origin: germline. Not counted in ClinVar's aggregate classification.
Comment: This variant is classified as likely benign based on ACMG/AMP sequence variant interpretation guidelines (Richards et al. 2015 PMID: 25741868, with internal and published modifications).

NM_001385001.1(MCTP2):c.2591T>C (p.Leu864Pro)

Gene: MCTP2 (multiple C2 and transmembrane domain containing 2; plus strand). Cytogenetic location: 15q26.2.
Variant type: single nucleotide variant.
Coding change: c.2591T>C on transcript NM_001385001.1 (MANE Select); coding-DNA position 2591, T replaced by C.
Protein change: p.Leu864Pro; replaces leucine 864 with proline.
Molecular consequence: missense variant. On other transcripts: non-coding transcript variant (7).
Genome position (GRCh38, 1-based): chr15:94,478,988, T>C. VCF-style: chr15-94478988-T-C. GRCh37 (hg19) VCF-style: chr15-95022217-T-C.
Other names: c.2426T>C, p.Leu809Pro (NM_001159643.2, NM_001385004.1); c.2591T>C, p.Leu864Pro (NM_001385002.1, NM_001385003.1, NM_018349.4); c.2549T>C, p.Leu850Pro (NM_001385005.1); c.2468T>C, p.Leu823Pro (NM_001385006.1); c.2309T>C, p.Leu770Pro (NM_001385007.1); c.2093T>C, p.Leu698Pro (NM_001385009.1); c.1928T>C, p.Leu643Pro (NM_001385010.1); short protein forms L809P, L864P, L643P, L698P, L770P, L823P, L850P.
Identifiers: ClinVar variation 718784 (VCV000718784.8), dbSNP rs35055745, ClinGen allele CA7750582.